The following is an entry in ClinVar:

ClinVar aggregate classification (germline): Uncertain significance (1 of 4 stars; one submission).

Submission:

CeGaT Center for Human Genetics Tuebingen
Classification: Uncertain significance. Last evaluated: 2024-09-01. Review status: criteria provided, single submitter. Criteria: CeGaT Center For Human Genetics Tuebingen Variant Classification Criteria Version 2. Collection method: clinical testing. Allele origin: germline. Affected: yes. Observed: 1 variant allele.
Comment: GRIA4: PM2

NM_000829.4(GRIA4):c.840G>C (p.Lys280Asn)

Gene: GRIA4 (glutamate ionotropic receptor AMPA type subunit 4; plus strand). Cytogenetic location: 11q22.3.
Variant type: single nucleotide variant.
Coding change: c.840G>C on transcript NM_000829.4 (MANE Select); coding-DNA position 840, G replaced by C.
Protein change: p.Lys280Asn; replaces lysine 280 with asparagine.
Molecular consequence: missense variant. On other transcripts: non-coding transcript variant (1).
Genome position (GRCh38, 1-based): chr11:105,898,382, G>C. VCF-style: chr11-105898382-G-C. GRCh37 (hg19) VCF-style: chr11-105769108-G-C.
Other names: c.840G>C, p.Lys280Asn (NM_001077243.3, NM_001077244.2, NM_001112812.2); short protein forms K280N.
Identifiers: ClinVar variation 3389135 (VCV003389135.14).